The following is an entry in ClinVar:

ClinVar aggregate classification (germline): Uncertain significance (1 of 4 stars; one submission).

Conditions:
Hereditary cancer-predisposing syndrome. Also called: Neoplastic Syndromes, Hereditary; Tumor predisposition; Hereditary Cancer Syndrome; Hereditary neoplastic syndrome. Identifiers: Orphanet 140162, MedGen C0027672, MeSH D009386, MONDO:0015356.

Submission:

Ambry Genetics
Classification: Uncertain significance for Hereditary cancer-predisposing syndrome. Last evaluated: 2026-03-25. Review status: criteria provided, single submitter. Criteria: Ambry Variant Classification Scheme 2023. Collection method: clinical testing. Allele origin: germline.
Comment: The p.I1702S variant (also known as c.5105T>G), located in coding exon 39 of the TSC2 gene, results from a T to G substitution at nucleotide position 5105. The isoleucine at codon 1702 is replaced by serine, an amino acid with dissimilar properties. This amino acid position is conserved. In addition, this alteration is predicted to be deleterious by in silico analysis. Based on the available evidence, the clinical significance of this variant remains unclear.

NM_000548.5(TSC2):c.5105T>G (p.Ile1702Ser)

Gene: TSC2 (TSC complex subunit 2; plus strand). Cytogenetic location: 16p13.3.
Variant type: single nucleotide variant.
Coding change: c.5105T>G on transcript NM_000548.5 (MANE Select); coding-DNA position 5105, T replaced by G.
Protein change: p.Ile1702Ser; replaces isoleucine 1702 with serine.
Molecular consequence: missense variant. On other transcripts: non-coding transcript variant (5).
Genome position (GRCh38, 1-based): chr16:2,088,084, T>G. VCF-style: chr16-2088084-T-G. GRCh37 (hg19) VCF-style: chr16-2138085-T-G.
Other names: c.4976T>G, p.Ile1659Ser (NM_001370405.1, NM_021055.3); c.5102T>G, p.Ile1701Ser (NM_001406663.1); c.5033T>G, p.Ile1678Ser (NM_001406664.1); c.5027T>G, p.Ile1676Ser (NM_001406665.1); c.4997T>G, p.Ile1666Ser (NM_001406667.1); c.4994T>G, p.Ile1665Ser (NM_001406668.1); c.4925T>G, p.Ile1642Ser (NM_001406670.1); c.4895T>G, p.Ile1632Ser (NM_001406671.1); and 26 more; short protein forms I1435S, I1458S, I1478S, I1482S, I1586S, I1616S, I1632S, I1678S.
Identifiers: ClinVar variation 3462604 (VCV003462604.2).